The following is an entry in ClinVar:

ClinVar aggregate classification (germline): Conflicting classifications of pathogenicity. Review status: criteria provided, conflicting classifications (1 of 4 stars). 5 submissions from 5 submitters: Uncertain significance (2); Likely benign (3). Last evaluated 2026-06-01.

Conditions:
Cardiovascular phenotype. Identifiers: MedGen CN230736.
MYH6-related disorder. Also called: MYH6-Related Disorders; MYH6-related condition.
Hypertrophic cardiomyopathy 14. Identifiers: MedGen C2750467, MONDO:0013197, OMIM 613251.

Allele frequency attached by ClinVar (database versions not stated): gnomAD 0.00008 and 0.00010; TOPMed 0.00010; ExAC 0.00017; gnomAD exomes 0.00020.

Submissions (5):

PreventionGenetics, part of Exact Sciences
Classification: Uncertain significance for MYH6-related condition. Last evaluated: 2026-06-01. Review status: criteria provided, single submitter. Criteria: ACMG Guidelines, 2015. Collection method: clinical testing. Allele origin: germline.
Comment: The MYH6 c.1154C>T variant is predicted to result in the amino acid substitution p.Ser385Leu. This variant has been reported in trans with another MYH6 variant in a patient with hypoplastic left heart syndrome (Tomita-Mitchell et al. 2016. PubMed ID: 27789736). This variant is reported in 0.27% of alleles in individuals of East Asian descent in gnomAD. This variant has been interpreted as uncertain and likely benign in the ClinVar database (Variation ID: 228885). Although we suspect that this variant is benign, at this time, the clinical significance of this variant is uncertain due to the absence of conclusive functional and genetic evidence.

Labcorp Genetics (formerly Invitae), Labcorp
Classification: Likely benign for Hypertrophic cardiomyopathy 14. Last evaluated: 2025-12-28. Review status: criteria provided, single submitter. Criteria: Invitae Variant Classification Sherloc (09022015). Collection method: clinical testing. Allele origin: germline.

Women's Health and Genetics/Laboratory Corporation of America, LabCorp
Classification: Likely benign. Last evaluated: 2025-02-13. Review status: criteria provided, single submitter. Criteria: LabCorp Variant Classification Summary - May 2015. Collection method: clinical testing. Allele origin: germline.

Ambry Genetics
Classification: Likely benign for Cardiovascular phenotype. Last evaluated: 2021-10-21. Review status: criteria provided, single submitter. Criteria: Ambry Variant Classification Scheme 2023. Collection method: clinical testing. Allele origin: germline.

Laboratory for Molecular Medicine, Mass General Brigham Personalized Medicine
Classification: Uncertain significance. Last evaluated: 2015-12-10. Review status: criteria provided, single submitter. Criteria: LMM Criteria. Collection method: clinical testing. Allele origin: germline. Observed: 1 variant allele.
Comment: Variant classified as Uncertain Significance - Favor Benign. The p.Ser385Leu var iant in MYH6 has not been previously reported in individuals with cardiomyopathy , but has been identified in 0.2% (19/8650) of East Asian chromosomes by the Exo me Aggregation Consortium (ExAC; dbSNP rs7783191 08). Computational prediction tools and conservation analysis do not provide str ong support for or against an impact to the protein. In summary, while the clini cal significance of the p.Ser385Leu variant is uncertain, its frequency suggests that it is more likely to be benign.

Literature cited by the submitters: PubMed 27707468 (cited by Ambry Genetics); PubMed 27789736 (cited by Ambry Genetics); PubMed 32656206 (cited by Ambry Genetics).

NM_002471.4(MYH6):c.1154C>T (p.Ser385Leu)

Gene: MYH6 (myosin heavy chain 6; minus strand). Cytogenetic location: 14q11.2.
Variant type: single nucleotide variant.
Coding change: c.1154C>T on transcript NM_002471.4 (MANE Select); coding-DNA position 1154, C replaced by T.
Protein change: p.Ser385Leu; replaces serine 385 with leucine.
Molecular consequence: missense variant.
Genome position (GRCh38, 1-based): chr14:23,400,965, G>A on the plus strand (C>T on the coding strand, the complement: MYH6 is on the minus strand). VCF-style: chr14-23400965-G-A. GRCh37 (hg19) VCF-style: chr14-23870174-G-A.
Other names: short protein forms S385L.
Identifiers: ClinVar variation 228885 (VCV000228885.20), dbSNP rs778319108, ClinGen allele CA7115865.